The following is an entry in ClinVar:

NM_001042432.2(CLN3):c.1198-1G>T

Gene: CLN3 (CLN3 lysosomal/endosomal transmembrane protein, battenin; minus strand). Cytogenetic location: 16p12.1.
Variant type: single nucleotide variant.
Coding change: c.1198-1G>T on transcript NM_001042432.2 (MANE Select); the canonical splice acceptor site of the intron before coding-DNA position 1198, G replaced by T.
Molecular consequence: splice acceptor variant.
Genome position (GRCh38, 1-based): chr16:28,477,636, C>A on the plus strand (G>T on the coding strand, the complement: CLN3 is on the minus strand). VCF-style: chr16-28477636-C-A. GRCh37 (hg19) VCF-style: chr16-28488957-C-A.
Other names: c.964-1G>T (NM_001286109.2); c.1126-1G>T (NM_001286104.2); c.898-1G>T (NM_001286105.2); c.1036-1G>T (NM_001286110.2); c.1198-1G>T (NM_000086.2).
Identifiers: ClinVar variation 56251 (VCV000056251.14), dbSNP rs386833702, ClinGen allele CA263623.

ClinVar aggregate classification (germline): Pathogenic/Likely pathogenic. Review status: criteria provided, multiple submitters, no conflicts (2 of 4 stars). 6 submissions from 6 submitters: Pathogenic (3); Likely pathogenic (1). 2 of the submissions do not count toward it. Last evaluated 2024-11-21.

Conditions:
CLN3-related disorders.
Inborn genetic diseases. Identifiers: MedGen C0950123, MeSH D030342.
Neuronal ceroid lipofuscinosis. Also called: Neuronal Ceroid Lipofuscinoses. Identifiers: Orphanet 216, Orphanet 79263, MedGen C0027877, MONDO:0016295. Disease mechanism: loss of function.
Neuronal ceroid lipofuscinosis 3 (CLN3). Identifiers: Orphanet 228346, MedGen C0751383, MONDO:0008767, OMIM 204200.

Allele frequency attached by ClinVar (database versions not stated): ExAC 0.00001; gnomAD 0.00001; gnomAD exomes 0.00001; TOPMed 0.00001.
gnomAD v4.1: 19 of 1,613,918 alleles (0.0012%); highest among the groups gnomAD compares: Non-Finnish European, 0.0016%; no homozygotes.

Submissions (6):

Blueprint Genetics
Classification: Pathogenic for CLN3-related disorders. Last evaluated: 2024-11-21. Review status: criteria provided, single submitter. Criteria: ACMG Guidelines, 2015. Collection method: clinical testing. Allele origin: germline. Affected: yes. Observed: 5 variant alleles.

Labcorp Genetics (formerly Invitae), Labcorp
Classification: Pathogenic for Neuronal ceroid lipofuscinosis. Last evaluated: 2024-01-28. Review status: criteria provided, single submitter. Criteria: Invitae Variant Classification Sherloc (09022015). Collection method: clinical testing. Allele origin: germline.
Comment: This sequence change affects an acceptor splice site in intron 15 of the CLN3 gene. While this variant is not anticipated to result in nonsense mediated decay, it likely alters RNA splicing and results in a disrupted protein product. This variant is present in population databases (rs386833702, gnomAD 0.002%). Disruption of this splice site has been observed in individual(s) with juvenile neuronal ceroid lipofuscinosis (PMID: 9311735). In at least one individual the data is consistent with being in trans (on the opposite chromosome) from a pathogenic variant. It has also been observed to segregate with disease in related individuals. This variant is also known as IVS14-1G>T. ClinVar contains an entry for this variant (Variation ID: 56251). Variants that disrupt the consensus splice site are a relatively common cause of aberrant splicing (PMID: 17576681, 9536098). Algorithms developed to predict the effect of sequence changes on RNA splicing suggest that this variant may disrupt the consensus splice site. For these reasons, this variant has been classified as Pathogenic.

Women's Health and Genetics/Laboratory Corporation of America, LabCorp
Classification: Pathogenic for Neuronal ceroid lipofuscinosis. Last evaluated: 2023-10-25. Review status: criteria provided, single submitter. Criteria: LabCorp Variant Classification Summary - May 2015. Collection method: clinical testing. Allele origin: germline.
Comment: Variant summary: CLN3 c.1198-1G>T is located in a canonical splice-site and is predicted to affect mRNA splicing resulting in a significantly altered protein due to either exon skipping, shortening, or inclusion of intronic material. Several computational tools predict a significant impact on normal splicing: Four predict the variant abolishes a canonical 3' acceptor site. Three predict the variant creates or strengthens a cryptic 3' acceptor site. At least one publication reports experimental evidence that this variant affects mRNA splicing (Munroe_1997), resulting in the use of a cryptic splice acceptor site and a premature stop codon. The variant allele was found at a frequency of 8e-06 in 250410 control chromosomes (gnomAD). c.1198-1G>T has been reported in the literature in related individuals affected with Neuronal Ceroid-Lipofuscinosis (Batten Disease) who were compound heterozygous with a pathogenic large deletion change (Munroe_1997). These data indicate that the variant is likely to be associated with disease. The following publication has been ascertained in the context of this evaluation (PMID: 9311735). Three submitters have cited clinical-significance assessments for this variant to ClinVar after 2014. All submitters classified the variant as pathogenic/likely pathogenic. Based on the evidence outlined above, the variant was classified as pathogenic.

Ambry Genetics
Classification: Likely pathogenic for Inborn genetic diseases. Last evaluated: 2018-11-30. Review status: criteria provided, single submitter. Criteria: Ambry Variant Classification Scheme 2023. Collection method: clinical testing. Allele origin: germline.
Comment: The c.1198-1G>T intronic variant results from a G to T substitution one nucleotide upstream from coding exon 15 of the CLN3 gene. Alterations that disrupt the canonical splice site are typically deleterious in nature; however, this alteration occurs at the splice acceptor site of the last intron of CLN3 and is not expected to trigger nonsense-mediated mRNA decay. This variant was detected in three affected siblings with juvenile-onset neuronal ceroid lipofuscinosis, who had a common deletions of exons 7 and 8 (c.461-280_677+382del) on the other chromosome (Munroe PB et al. Am. J. Hum. Genet., 1997 Aug;61:310-6). RT-PCR analysis in one of the siblings revealed that this alteration activated a cryptic splice acceptor site in exon 15, resulting in introduction of a premature stop codon. In addition, a likely pathogenic variant (p.D416G) in the last exon has been reported in multiple affected individuals (Kwon JM et al. Neurology, 2011 Nov;77:1801-7; Lojewski X et al. Hum. Mol. Genet., 2014 Apr;23:2005-22), suggesting functional importance of amino acids affected by the premature stop codon. Based on data from gnomAD, the T allele has an overall frequency of approximately 0.0008% (2/250410). This nucleotide position is highly conserved in available vertebrate species. Using the BDGP and ESEfinder splice site prediction tools, this alteration is also predicted to abolish the native splice acceptor site. Based on the majority of available evidence to date, this variant is likely to be pathogenic.

Counsyl
Classification: Pathogenic for Neuronal ceroid lipofuscinosis 3. Last evaluated: 2017-08-24. Review status: no assertion criteria provided. Collection method: clinical testing. Allele origin: unknown. Not counted in ClinVar's aggregate classification.

Juha Muilu Group; Institute for Molecular Medicine Finland (FIMM)
Classification: Likely pathogenic for Juvenile neuronal ceroid lipofuscinosis. Review status: no assertion criteria provided. Collection method: not provided. Allele origin: unknown. Not counted in ClinVar's aggregate classification.
Comment: FinDis database variant: This variant was not found or characterized by our laboratory, data were collected from public sources: see reference
ClinVar note: Converted during submission from probable-pathogenic to Likely pathogenic.

Literature cited by the submitters: PubMed 9311735 (cited by 4 submitters); PubMed 17576681 (cited by Labcorp Genetics (formerly Invitae), Labcorp); PubMed 9536098 (cited by Labcorp Genetics (formerly Invitae), Labcorp); PubMed 21990111 (cited by Ambry Genetics and Counsyl); PubMed 22013180 (cited by Ambry Genetics); PubMed 24271013 (cited by Ambry Genetics); PubMed 25525159 (cited by Counsyl).